The following is an entry in ClinVar:

ClinVar aggregate classification (germline): Likely benign. Review status: criteria provided, multiple submitters, no conflicts (2 of 4 stars). 2 submissions from 2 submitters: Likely benign (2). Last evaluated 2025-01-01.

Conditions:
Pityriasis rubra pilaris (PRP). Also called: Pityriasis rubra pilaris--familial type. Identifiers: Orphanet 2897, MedGen C0032027, MONDO:0100017, OMIM 173200, MONDO:0008251.
Psoriasis 2. Identifiers: MedGen C1864497, MONDO:0011269, OMIM 602723.

Allele frequency attached by ClinVar (database versions not stated): gnomAD 0.00001; ExAC 0.00002; gnomAD exomes 0.00002; TOPMed 0.00002; ESP Exome Variant Server 0.00015; 1000 Genomes Project 30x 0.00016; 1000 Genomes Project 0.00020.
gnomAD v4.1: 59 of 1,614,146 alleles (0.0037%); highest among the groups gnomAD compares: East Asian, 0.045%; no homozygotes.

Submissions (2):

CeGaT Center for Human Genetics Tuebingen
Classification: Likely benign. Last evaluated: 2025-01-01. Review status: criteria provided, single submitter. Criteria: CeGaT Center For Human Genetics Tuebingen Variant Classification Criteria Version 2. Collection method: clinical testing. Allele origin: germline. Affected: yes. Observed: 1 variant allele.
Comment: CARD14: BP4, BP7

Labcorp Genetics (formerly Invitae), Labcorp
Classification: Likely benign for Pityriasis rubra pilaris; Psoriasis 2. Last evaluated: 2023-05-02. Review status: criteria provided, single submitter. Criteria: Invitae Variant Classification Sherloc (09022015). Collection method: clinical testing. Allele origin: germline.

NM_001366385.1(CARD14):c.258C>T (p.Ile86=)

Gene: CARD14 (caspase recruitment domain family member 14; plus strand). Cytogenetic location: 17q25.3.
Variant type: single nucleotide variant.
Coding change: c.258C>T on transcript NM_001366385.1 (MANE Select); coding-DNA position 258, C replaced by T.
Protein change: p.Ile86=; no amino-acid change (isoleucine 86 retained).
Molecular consequence: synonymous variant. On other transcripts: non-coding transcript variant (1).
Genome position (GRCh38, 1-based): chr17:80,182,699, C>T. VCF-style: chr17-80182699-C-T. GRCh37 (hg19) VCF-style: chr17-78156498-C-T.
Other names: c.258C>T, p.Ile86= (NM_001257970.1, NM_024110.4).
Identifiers: ClinVar variation 1084552 (VCV001084552.22), dbSNP rs147122239, ClinGen allele CA8816378.
Genomic context (GRCh38, chr17:80,182,699, plus strand): 5'-TTCTGCCTCCCAAGGGCACTTGCTGGATTTGCTGAAGACTCGAGGGAAGAACGGGGCCAT[C>T]GCCTTCCTGGAGAGCCTGAAGTTCCACAACCCTGACGTCTACACCCTGGTCACCGGGCTG-3'
Protein context (NP_001353314.1, residues 76-96): LLKTRGKNGA[Ile86=]AFLESLKFHN